The following is an entry in ClinVar:

NM_004006.3(DMD):c.4921G>C (p.Val1641Leu)

Gene: DMD (dystrophin; minus strand). Cytogenetic location: Xp21.1.
Variant type: single nucleotide variant.
Coding change: c.4921G>C on transcript NM_004006.3 (MANE Select); coding-DNA position 4921, G replaced by C.
Protein change: p.Val1641Leu; replaces valine 1641 with leucine.
Molecular consequence: missense variant.
Genome position (GRCh38, 1-based): chrX:32,365,124, C>G on the plus strand (G>C on the coding strand, the complement: DMD is on the minus strand). VCF-style: chrX-32365124-C-G. GRCh37 (hg19) VCF-style: chrX-32383241-C-G.
Other names: c.4897G>C, p.Val1633Leu (NM_000109.4); c.4909G>C, p.Val1637Leu (NM_004009.3); c.4552G>C, p.Val1518Leu (NM_004010.3); c.898G>C, p.Val300Leu (NM_004011.4); c.889G>C, p.Val297Leu (NM_004012.4); short protein forms V1518L, V1633L, V1637L, V1641L, V297L, V300L.
Identifiers: ClinVar variation 4811707 (VCV004811707.1).

ClinVar aggregate classification (germline): Uncertain significance (1 of 4 stars; one submission).

Conditions:
Duchenne muscular dystrophy (DMD). Also called: Duchenne Muscular Dystrophy (DMD); MUSCULAR DYSTROPHY, PSEUDOHYPERTROPHIC PROGRESSIVE, DUCHENNE TYPE. Identifiers: Orphanet 98896, MedGen C0013264, MONDO:0010679, OMIM 310200.

Submission:

Labcorp Genetics (formerly Invitae), Labcorp
Classification: Uncertain significance for Duchenne muscular dystrophy. Last evaluated: 2025-11-03. Review status: criteria provided, single submitter. Criteria: Invitae Variant Classification Sherloc (09022015). Collection method: clinical testing. Allele origin: germline.
Comment: This sequence change replaces valine, which is neutral and non-polar, with leucine, which is neutral and non-polar, at codon 1641 of the DMD protein (p.Val1641Leu). This variant is not present in population databases (gnomAD no frequency). This variant has not been reported in the literature in individuals affected with DMD-related conditions. Invitae Evidence Modeling of protein sequence and biophysical properties (such as structural, functional, and spatial information, amino acid conservation, physicochemical variation, residue mobility, and thermodynamic stability) indicates that this missense variant is not expected to disrupt DMD protein function with a negative predictive value of 95%. In summary, the available evidence is currently insufficient to determine the role of this variant in disease. Therefore, it has been classified as a Variant of Uncertain Significance.